The following is an entry in ClinVar:

ClinVar aggregate classification (germline): Uncertain significance (1 of 4 stars; one submission).

Submission:

GeneDx
Classification: Uncertain significance. Last evaluated: 2020-06-30. Review status: criteria provided, single submitter. Criteria: GeneDx Variant Classification Process June 2021. Collection method: clinical testing. Allele origin: germline. Affected: yes.
Comment: Not observed in large population cohorts (Lek et al., 2016); In silico analysis supports that this missense variant does not alter protein structure/function; Has not been previously published as pathogenic or benign to our knowledge

NM_021224.6(ZNF462):c.6520G>C (p.Val2174Leu)

Gene: ZNF462 (zinc finger protein 462; plus strand). Cytogenetic location: 9q31.2.
Variant type: single nucleotide variant.
Coding change: c.6520G>C on transcript NM_021224.6 (MANE Select); coding-DNA position 6520, G replaced by C.
Protein change: p.Val2174Leu; replaces valine 2174 with leucine.
Molecular consequence: missense variant.
Genome position (GRCh38, 1-based): chr9:106,972,097, G>C. VCF-style: chr9-106972097-G-C. GRCh37 (hg19) VCF-style: chr9-109734378-G-C.
Other names: c.3925G>C, p.Val1309Leu (NM_001347997.2); short protein forms V1309L, V2174L.
Identifiers: ClinVar variation 1312922 (VCV001312922.2), dbSNP rs1564142314, ClinGen allele CA374659551.